The following is an entry in ClinVar:

ClinVar aggregate classification (germline): Uncertain significance (1 of 4 stars; one submission).

Conditions:
Neuronal ceroid lipofuscinosis 1 (CLN1). Also called: PPT1-Related Neuronal Ceroid-Lipofuscinosis; CEROID LIPOFUSCINOSIS, NEURONAL, 1, VARIABLE AGE AT ONSET. Identifiers: Orphanet 228329, MedGen C1850451, MONDO:0009744, OMIM 256730.

Allele frequency attached by ClinVar (database versions not stated): gnomAD 0.00001; gnomAD exomes 0.00001; TOPMed 0.00001; ExAC 0.00002.
gnomAD v4.1: 20 of 1,613,800 alleles (0.0012%); highest among the groups gnomAD compares: African/African-American, 0.0053%; no homozygotes.

Submission:

Labcorp Genetics (formerly Invitae), Labcorp
Classification: Uncertain significance for Neuronal ceroid lipofuscinosis 1. Last evaluated: 2022-08-20. Review status: criteria provided, single submitter. Criteria: Invitae Variant Classification Sherloc (09022015). Collection method: clinical testing. Allele origin: germline.
Comment: In summary, the available evidence is currently insufficient to determine the role of this variant in disease. Therefore, it has been classified as a Variant of Uncertain Significance. Advanced modeling of protein sequence and biophysical properties (such as structural, functional, and spatial information, amino acid conservation, physicochemical variation, residue mobility, and thermodynamic stability) performed at Invitae indicates that this missense variant is expected to disrupt PPT1 protein function. This variant has not been reported in the literature in individuals affected with PPT1-related conditions. This variant is present in population databases (rs762320173, gnomAD 0.008%). This sequence change replaces glycine, which is neutral and non-polar, with arginine, which is basic and polar, at codon 64 of the PPT1 protein (p.Gly64Arg).

NM_000310.4(PPT1):c.190G>C (p.Gly64Arg)

Gene: PPT1 (palmitoyl-protein thioesterase 1; minus strand). Cytogenetic location: 1p34.2.
Variant type: single nucleotide variant.
Coding change: c.190G>C on transcript NM_000310.4 (MANE Select); coding-DNA position 190, G replaced by C.
Protein change: p.Gly64Arg; replaces glycine 64 with arginine.
Molecular consequence: missense variant. On other transcripts: intron variant (1).
Genome position (GRCh38, 1-based): chr1:40,092,442, C>G on the plus strand (G>C on the coding strand, the complement: PPT1 is on the minus strand). VCF-style: chr1-40092442-C-G. GRCh37 (hg19) VCF-style: chr1-40558114-C-G.
Other names: c.190G>C, p.Gly64Arg (NM_001363695.2); c.125-2930G>C (NM_001142604.2); short protein forms G64R.
Identifiers: ClinVar variation 2199196 (VCV002199196.2), dbSNP rs762320173, ClinGen allele CA789785.